The following is an entry in ClinVar:

NM_001036.6(RYR3):c.14599G>A (p.Asp4867Asn)

Genes: AVEN (apoptosis and caspase activation inhibitor; minus strand), RYR3 (ryanodine receptor 3; plus strand). Cytogenetic location: 15q14.
Variant type: single nucleotide variant.
Coding change: c.14599G>A on transcript NM_001036.6 (MANE Select); coding-DNA position 14599, G replaced by A.
Protein change: p.Asp4867Asn; replaces aspartic acid 4867 with asparagine.
Molecular consequence: missense variant.
Genome position (GRCh38, 1-based): chr15:33,865,212, G>A. VCF-style: chr15-33865212-G-A. GRCh37 (hg19) VCF-style: chr15-34157413-G-A.
Other names: c.14584G>A, p.Asp4862Asn (NM_001243996.4); short protein forms D4862N, D4867N.
Identifiers: ClinVar variation 1039395 (VCV001039395.8), dbSNP rs767355524, ClinGen allele CA7462148.

ClinVar aggregate classification (germline): Uncertain significance (1 of 4 stars; one submission).

Conditions:
Epileptic encephalopathy. Identifiers: MedGen C0543888, HP:0200134.

Allele frequency attached by ClinVar (database versions not stated): ExAC 0.00001; gnomAD exomes 0.00001 and 0.00003; TOPMed 0.00002; gnomAD 0.00009.
gnomAD v4.1: 25 of 1,612,762 alleles (0.0016%); highest among the groups gnomAD compares: Admixed American, 0.03%; no homozygotes.

Submission:

Labcorp Genetics (formerly Invitae), Labcorp
Classification: Uncertain significance for Epileptic encephalopathy. Last evaluated: 2020-09-23. Review status: criteria provided, single submitter. Criteria: Invitae Variant Classification Sherloc (09022015). Collection method: clinical testing. Allele origin: germline.
Comment: In summary, the available evidence is currently insufficient to determine the role of this variant in disease. Therefore, it has been classified as a Variant of Uncertain Significance. Algorithms developed to predict the effect of missense changes on protein structure and function are either unavailable or do not agree on the potential impact of this missense change (SIFT: "Deleterious"; PolyPhen-2: "Probably Damaging"; Align-GVGD: "Class C0"). This variant has not been reported in the literature in individuals with RYR3-related conditions. This variant is present in population databases (rs767355524, ExAC 0.002%). This sequence change replaces aspartic acid with asparagine at codon 4867 of the RYR3 protein (p.Asp4867Asn). The aspartic acid residue is highly conserved and there is a small physicochemical difference between aspartic acid and asparagine.